The following is an entry in ClinVar:

ClinVar aggregate classification (germline): Likely pathogenic (3 of 4 stars; one submission).

Conditions:
GUCY2D-related recessive retinopathy. Also called: Recessive GUCY2D retinopathy. Identifiers: MedGen CN305603, MONDO:0100453.

Submission:

ClinGen Leber Congenital Amaurosis/early Onset Retinal Dystrophy Variant Curation Expert Panel, ClinGen
Classification: Likely pathogenic for GUCY2D-related recessive retinopathy. Last evaluated: 2025-01-31. Review status: reviewed by expert panel. Criteria: ClinGen LCAeoRD ACMG Specifications GUCY2D V1.0.0. Collection method: curation. Allele origin: germline. Inheritance: Autosomal recessive inheritance.
Comment: NM_000180.4(GUCY2D):c.3078_3083dup (p.Ile1027_Leu1028dup) is a short in-frame insertion variant predicted to cause a change in the length of the protein by duplicating residues 1027 and 1028, with at least one of the neighboring base pairs highly conserved with a PhyloP conservation score of 7.80781 (PM4). This variant is absent from gnomAD v4.1.0 (PM2_Supporting). This variant has been reported in at least 1 proband with early-onset severe retinal dystrophy who was compound heterozygous with the NM_000180.4(GUCY2D):c.726del (p.Ile243SerfsTer3) variant confirmed in trans, which was previously classified pathogenic by the ClinGen LCA / eoRD VCEP (1 point, PMID: 27375279, PM3). A second proband has been identified as a compound heterozygote with the NM_000180.4(GUCY2D):c.937C>T (p.Arg313Cys) variant confirmed in trans (PMID: 34048777), but has not been curated by the LCA/eoRD VCEP and so is not counted for PM3 (1 total point, PM3) . At least one proband harboring this variant exhibits a phenotype including a diagnosis of LCA (0.5 points) with age of onset at 0.3 years (1 pt), genotyping by exome sequencing with no alternative cause of retinal disease identified (4 pts), poor vision (1 pt), roving nystagmus (1 pt), no light perception, attenuated vessels (0.5 pts), and extinguished electroretinogram responses from rods (0.5 pts) and cones (1 pt). Together these are specific for GUCY2D-related recessive retinopathy total of 9.5 points, PMID: 34048777, PP4_Moderate). In summary, this variant meets the criteria to be classified as likely pathogenic for GUCY2D-related recessive retinopathy based on the ACMG/AMP criteria applied, as specified by the ClinGen LCA / eoRD VCEP: PM2_Supporting, PM3, PM4, and PP4_Moderate. (VCEP specifications version 1.0.0; date of approval 01/22/2025).

NM_000180.4(GUCY2D):c.3078_3083dup (p.Leu1028_Arg1029insIleLeu)

Gene: GUCY2D (guanylate cyclase 2D, retinal; plus strand). Cytogenetic location: 17p13.1.
Variant type: Duplication.
Coding change: c.3078_3083dup on transcript NM_000180.4 (MANE Select); coding-DNA positions 3078 to 3083, 6 bases duplicated (GATTCT; older notation c.3078_3083dupGATTCT).
Protein change: p.Leu1028_Arg1029insIleLeu.
Genome position (GRCh38, 1-based): chr17:8,015,961-8,015,966, GATTCT duplicated. VCF-style (leftmost placement, unchanged base first): chr17-8015960-G-GGATTCT. GRCh37 (hg19) VCF-style: chr17-7919278-G-GGATTCT.
Other names: NM_000180.4:c.3078_3083dup.
Identifiers: ClinVar variation 3602095 (VCV003602095.1).
Genomic context (GRCh38, chr17:8,015,960, plus strand): 5'-AGCTCACGGCGTCCCCCACCGCCACAGCTTACCGCATCCACGTGAACTTGAGCACTGTGG[G>GGATTCT]GATTCTCCGTGCTCTGGACTCGGGCTACCAGGTGGAGCTGCGAGGCCGCACGGAGCTGAA-3'